The following is an entry in ClinVar:

NM_144992.5(VWA3B):c.1837-9T>C

Gene: VWA3B (von Willebrand factor A domain containing 3B; plus strand). Cytogenetic location: 2q11.2.
Variant type: single nucleotide variant.
Coding change: c.1837-9T>C on transcript NM_144992.5 (MANE Select); 9 bases into the intron before coding-DNA position 1837, T replaced by C.
Molecular consequence: intron variant.
Genome position (GRCh38, 1-based): chr2:98,217,837, T>C. VCF-style: chr2-98217837-T-C. GRCh37 (hg19) VCF-style: chr2-98834300-T-C.
Other names: c.808-9T>C (NM_001345864.2).
Identifiers: ClinVar variation 3051764 (VCV003051764.2), dbSNP rs199749479, ClinGen allele CA1792767.
Genomic context (GRCh38, chr2:98,217,837, plus strand): 5'-TTTTCATATTCTTTTCTTTCTCTTCTCTTTCCATCTCCCTTCCCCCATCCCCAAAACTTA[T>C]CGTTTCAGCCACCTGAAACAGTTATAGACCAGGTCAAACGTTTTCAGGAAATTCCTATTT-3'

ClinVar aggregate classification (germline): Benign (0 of 4 stars; one submission).

Conditions:
VWA3B-related disorder. Also called: VWA3B-related condition.

Allele frequency attached by ClinVar (database versions not stated): 1000 Genomes Project 30x 0.00016; 1000 Genomes Project 0.00020; gnomAD exomes 0.00042; gnomAD 0.00058; ESP Exome Variant Server 0.00059; TOPMed 0.00060; ExAC 0.00066.
gnomAD v4.1: 746 of 1,567,496 alleles (0.048%); highest among the groups gnomAD compares: Non-Finnish European, 0.0099%; 6 homozygotes.

Submission:

PreventionGenetics, part of Exact Sciences
Classification: Benign for VWA3B-related condition. Last evaluated: 2020-05-04. Review status: no assertion criteria provided. Collection method: clinical testing. Allele origin: germline.
Comment: This variant is classified as benign based on ACMG/AMP sequence variant interpretation guidelines (Richards et al. 2015 PMID: 25741868, with internal and published modifications).